The following is an entry in ClinVar:

NM_004998.4(MYO1E):c.3251-8C>G

Gene: MYO1E (myosin IE; minus strand). Cytogenetic location: 15q22.2.
Variant type: single nucleotide variant.
Coding change: c.3251-8C>G on transcript NM_004998.4 (MANE Select); 8 bases into the intron before coding-DNA position 3251, C replaced by G.
Molecular consequence: intron variant.
Genome position (GRCh38, 1-based): chr15:59,137,464, G>C on the plus strand (C>G on the coding strand, the complement: MYO1E is on the minus strand). VCF-style: chr15-59137464-G-C. GRCh37 (hg19) VCF-style: chr15-59429663-G-C.
Identifiers: ClinVar variation 1170131 (VCV001170131.16), dbSNP rs75504929, ClinGen allele CA7588956.

ClinVar aggregate classification (germline): Benign/Likely benign. Review status: criteria provided, multiple submitters, no conflicts (2 of 4 stars). 2 submissions from 2 submitters: Benign (1); Likely benign (1). Last evaluated 2025-06-12.

Allele frequency attached by ClinVar (database versions not stated): gnomAD exomes 0.00016 and 0.00050; ExAC 0.00066; TOPMed 0.00204; gnomAD 0.00206 and 0.00216; ESP Exome Variant Server 0.00231; 1000 Genomes Project 30x 0.00297; 1000 Genomes Project 0.00300.
gnomAD v4.1: 551 of 1,613,208 alleles (0.034%); highest among the groups gnomAD compares: African/African-American, 0.67%; 2 homozygotes.

Submissions (2):

Labcorp Genetics (formerly Invitae), Labcorp
Classification: Benign. Last evaluated: 2025-06-12. Review status: criteria provided, single submitter. Criteria: Invitae Variant Classification Sherloc (09022015). Collection method: clinical testing. Allele origin: germline.

CeGaT Center for Human Genetics Tuebingen
Classification: Likely benign. Last evaluated: 2025-04-01. Review status: criteria provided, single submitter. Criteria: CeGaT Center For Human Genetics Tuebingen Variant Classification Criteria Version 2. Collection method: clinical testing. Allele origin: germline. Affected: yes. Observed: 1 variant allele.
Comment: MYO1E: BS2